The following is an entry in ClinVar:

NM_001032386.2(SUOX):c.1578G>A (p.Trp526Ter)

Gene: SUOX (sulfite oxidase; plus strand). Cytogenetic location: 12q13.2.
Variant type: single nucleotide variant.
Coding change: c.1578G>A on transcript NM_001032386.2 (MANE Select); coding-DNA position 1578, G replaced by A.
Protein change: p.Trp526Ter; replaces tryptophan 526 with a stop codon.
Molecular consequence: nonsense.
Genome position (GRCh38, 1-based): chr12:56,004,967, G>A. VCF-style: chr12-56004967-G-A. GRCh37 (hg19) VCF-style: chr12-56398751-G-A.
Other names: c.1578G>A, p.Trp526Ter (NM_000456.3, NM_001032387.2); short protein forms W526*.
Identifiers: ClinVar variation 2760559 (VCV002760559.3), dbSNP rs2540578127, ClinGen allele CA385298600.
Genomic context (GRCh38, chr12:56,004,967, plus strand): 5'-TGTTTGTAAGGCTGTGGATGATGGTTACAATGTGCAGCCAGACACCGTGGCCCCAATCTG[G>A]AACCTGCGAGGTGTTCTCAGCAATGCCTGGCATCGTGTCCATGTCTATGTCTCCCCATGA-3'

ClinVar aggregate classification (germline): Pathogenic (1 of 4 stars; one submission).

Conditions:
Sulfite oxidase deficiency. Also called: Isolated sulfite oxidase deficiency. Identifiers: Orphanet 833, Orphanet 99731, MedGen C0268624, MONDO:0010089, OMIM 272300, HP:0003643.

Submission:

Labcorp Genetics (formerly Invitae), Labcorp
Classification: Pathogenic for Sulfite oxidase deficiency. Last evaluated: 2023-09-13. Review status: criteria provided, single submitter. Criteria: Invitae Variant Classification Sherloc (09022015). Collection method: clinical testing. Allele origin: germline.
Comment: For these reasons, this variant has been classified as Pathogenic. This variant disrupts a region of the SUOX protein in which other variant(s) (p.Arg529*) have been determined to be pathogenic (PMID: 17940249, 28980090). This suggests that this is a clinically significant region of the protein, and that variants that disrupt it are likely to be disease-causing. This variant has not been reported in the literature in individuals affected with SUOX-related conditions. This variant is not present in population databases (gnomAD no frequency). This sequence change creates a premature translational stop signal (p.Trp526*) in the SUOX gene. While this is not anticipated to result in nonsense mediated decay, it is expected to disrupt the last 20 amino acid(s) of the SUOX protein.

Literature cited by the submitters: PubMed 17940249; PubMed 28980090.